The following is an entry in ClinVar:

ClinVar aggregate classification (germline): Uncertain significance (1 of 4 stars; one submission).

Allele frequency attached by ClinVar (database versions not stated): gnomAD 0.00001; TOPMed 0.00003; gnomAD exomes below 0.00001.

Submission:

Labcorp Genetics (formerly Invitae), Labcorp
Classification: Uncertain significance. Last evaluated: 2024-10-29. Review status: criteria provided, single submitter. Criteria: Invitae Variant Classification Sherloc (09022015). Collection method: clinical testing. Allele origin: germline.
Comment: This sequence change replaces glutamine, which is neutral and polar, with proline, which is neutral and non-polar, at codon 336 of the POGLUT1 protein (p.Gln336Pro). This variant is not present in population databases (gnomAD no frequency). This variant has not been reported in the literature in individuals affected with POGLUT1-related conditions. ClinVar contains an entry for this variant (Variation ID: 2061156). Invitae Evidence Modeling of protein sequence and biophysical properties (such as structural, functional, and spatial information, amino acid conservation, physicochemical variation, residue mobility, and thermodynamic stability) indicates that this missense variant is not expected to disrupt POGLUT1 protein function with a negative predictive value of 80%. In summary, the available evidence is currently insufficient to determine the role of this variant in disease. Therefore, it has been classified as a Variant of Uncertain Significance.

NM_152305.3(POGLUT1):c.1007A>C (p.Gln336Pro)

Gene: POGLUT1 (protein O-glucosyltransferase 1; plus strand). Cytogenetic location: 3q13.33.
Variant type: single nucleotide variant.
Coding change: c.1007A>C on transcript NM_152305.3 (MANE Select); coding-DNA position 1007, A replaced by C.
Protein change: p.Gln336Pro; replaces glutamine 336 with proline.
Molecular consequence: missense variant. On other transcripts: non-coding transcript variant (1).
Genome position (GRCh38, 1-based): chr3:119,491,559, A>C. VCF-style: chr3-119491559-A-C. GRCh37 (hg19) VCF-style: chr3-119210406-A-C.
Other names: c.1007A>C, p.Gln336Pro (NM_020231.3); short protein forms Q336P.
Identifiers: ClinVar variation 2061156 (VCV002061156.4), dbSNP rs1365137182, ClinGen allele CA354048937.